The following is an entry in ClinVar:

ClinVar aggregate classification (germline): Uncertain significance (1 of 4 stars; one submission).

Allele frequency attached by ClinVar (database versions not stated): gnomAD exomes below 0.00001; gnomAD 0.00001.
gnomAD v4.1: 2 of 1,206,275 alleles (0.00017%); highest among the groups gnomAD compares: Non-Finnish European, 0.00022%; no homozygotes.

Submission:

Labcorp Genetics (formerly Invitae), Labcorp
Classification: Uncertain significance. Last evaluated: 2022-08-28. Review status: criteria provided, single submitter. Criteria: Invitae Variant Classification Sherloc (09022015). Collection method: clinical testing. Allele origin: germline.
Comment: This variant is present in population databases (no rsID available, gnomAD 0.009%). This sequence change affects codon 499 of the DDX3X mRNA. It is a 'silent' change, meaning that it does not change the encoded amino acid sequence of the DDX3X protein. It affects a nucleotide within the consensus splice site. This variant has not been reported in the literature in individuals affected with DDX3X-related conditions. Algorithms developed to predict the effect of sequence changes on RNA splicing suggest that this variant is not likely to affect RNA splicing. In summary, the available evidence is currently insufficient to determine the role of this variant in disease. Therefore, it has been classified as a Variant of Uncertain Significance.

NM_001356.5(DDX3X):c.1497A>G (p.Ala499=)

Gene: DDX3X (DEAD-box helicase 3 X-linked; plus strand). Cytogenetic location: Xp11.4.
Variant type: single nucleotide variant.
Coding change: c.1497A>G on transcript NM_001356.5 (MANE Select); coding-DNA position 1497, A replaced by G.
Protein change: p.Ala499=; no amino-acid change (alanine 499 retained).
Molecular consequence: synonymous variant. On other transcripts: non-coding transcript variant (1).
Genome position (GRCh38, 1-based): chrX:41,346,410, A>G. VCF-style: chrX-41346410-A-G. GRCh37 (hg19) VCF-style: chrX-41205663-A-G.
Other names: c.1497A>G, p.Ala499= (NM_001193416.3); c.1449A>G, p.Ala483= (NM_001193417.3); c.939A>G, p.Ala313= (NM_001363819.1).
Identifiers: ClinVar variation 2027655 (VCV002027655.4), dbSNP rs1467805850, ClinGen allele CA515972640.